The following is an entry in ClinVar:

NM_000083.3(CLCN1):c.302-1G>A

Gene: CLCN1 (chloride voltage-gated channel 1; plus strand). Cytogenetic location: 7q34.
Variant type: single nucleotide variant.
Coding change: c.302-1G>A on transcript NM_000083.3 (MANE Select); the canonical splice acceptor site of the intron before coding-DNA position 302, G replaced by A.
Molecular consequence: splice acceptor variant.
Genome position (GRCh38, 1-based): chr7:143,320,663, G>A. VCF-style: chr7-143320663-G-A. GRCh37 (hg19) VCF-style: chr7-143017756-G-A.
Identifiers: ClinVar variation 577893 (VCV000577893.17), dbSNP rs529377088, ClinGen allele CA4536911.
Genomic context (GRCh38, chr7:143,320,663, plus strand): 5'-ATTTTTGTTTGTTTGTTTGTTTGTTGTTTGTTTGTTTGTTTTTTCCCTCATCTCTTCCTA[G>A]ATTGTATCCACCGCCTGGGACAGGTGGTGAGAAGAAAATTAGGGGAAGACGGGATCTTTC-3'

ClinVar aggregate classification (germline): Pathogenic/Likely pathogenic. Review status: criteria provided, multiple submitters, no conflicts (2 of 4 stars). 4 submissions from 4 submitters: Pathogenic (3); Likely pathogenic (1). Last evaluated 2024-02-13.

Conditions:
Congenital myotonia, autosomal recessive form. Also called: BECKER DISEASE; Becker Generalized Myotonia; myotonia congenita, autosomal recessive. Identifiers: Orphanet 614, MedGen C0751360, MONDO:0009715, OMIM 255700.
Congenital myotonia, autosomal dominant form (THD). Also called: THOMSEN DISEASE; Myotonia congenita autosomal dominant. Identifiers: Orphanet 614, MedGen C2936781, MONDO:0008055, OMIM 160800.

Allele frequency attached by ClinVar (database versions not stated): gnomAD exomes below 0.00001 and 0.00001; TOPMed below 0.00001; ExAC 0.00001.
gnomAD v4.1: 17 of 1,609,200 alleles (0.0011%); highest among the groups gnomAD compares: Admixed American, 0.0017%; no homozygotes.

Submissions (4):

Fulgent Genetics
Classification: Likely pathogenic for Congenital myotonia, autosomal dominant form; Congenital myotonia, autosomal recessive form. Last evaluated: 2024-02-13. Review status: criteria provided, single submitter. Criteria: ACMG Guidelines, 2015. Collection method: clinical testing. Allele origin: germline.

Labcorp Genetics (formerly Invitae), Labcorp
Classification: Pathogenic for Congenital myotonia, autosomal recessive form; Congenital myotonia, autosomal dominant form. Last evaluated: 2024-01-24. Review status: criteria provided, single submitter. Criteria: Invitae Variant Classification Sherloc (09022015). Collection method: clinical testing. Allele origin: germline.
Comment: This sequence change affects an acceptor splice site in intron 2 of the CLCN1 gene. It is expected to disrupt RNA splicing. Variants that disrupt the donor or acceptor splice site typically lead to a loss of protein function (PMID: 16199547), and loss-of-function variants in CLCN1 are known to be pathogenic (PMID: 17932099, 22094069, 23739125). This variant is present in population databases (rs529377088, gnomAD 0.003%). Disruption of this splice site has been observed in individuals with autosomal recessive myotonia congenita (PMID: 18337730, 22094069, 23739125; Invitae). ClinVar contains an entry for this variant (Variation ID: 577893). Algorithms developed to predict the effect of sequence changes on RNA splicing suggest that this variant may disrupt the consensus splice site. For these reasons, this variant has been classified as Pathogenic.

Revvity Omics, Revvity
Classification: Pathogenic. Last evaluated: 2023-02-10. Review status: criteria provided, single submitter. Criteria: ACMG Guidelines, 2015. Collection method: clinical testing. Allele origin: germline.

MGZ Medical Genetics Center
Classification: Pathogenic for Congenital myotonia, autosomal recessive form. Last evaluated: 2022-08-24. Review status: criteria provided, single submitter. Criteria: ACMG Guidelines, 2015. Collection method: clinical testing. Allele origin: germline. Affected: yes. Observed: 3 variant alleles.
Comment: ACMG criteria applied: PVS1, PS4_MOD, PM3, PM2_SUP

Literature cited by the submitters: PubMed 16199547 (cited by Labcorp Genetics (formerly Invitae), Labcorp); PubMed 17932099 (cited by Labcorp Genetics (formerly Invitae), Labcorp); PubMed 22094069 (cited by Labcorp Genetics (formerly Invitae), Labcorp); PubMed 23739125 (cited by Labcorp Genetics (formerly Invitae), Labcorp); PubMed 18337730 (cited by Labcorp Genetics (formerly Invitae), Labcorp).